The following is an entry in ClinVar:

ClinVar aggregate classification (germline): Uncertain significance (1 of 4 stars; one submission).

Conditions:
Retinoblastoma (RB1). Also called: RETINOBLASTOMA, SOMATIC. Identifiers: Orphanet 790, MedGen C0035335, MeSH D012175, MONDO:0008380, OMIM 180200, HP:0009919. Disease mechanism: loss of function. Inheritance: Both sporadic and heritable forms are tested..

Submission:

Labcorp Genetics (formerly Invitae), Labcorp
Classification: Uncertain significance for Retinoblastoma. Last evaluated: 2024-06-15. Review status: criteria provided, single submitter. Criteria: Invitae Variant Classification Sherloc (09022015). Collection method: clinical testing. Allele origin: germline.
Comment: This sequence change replaces threonine, which is neutral and polar, with isoleucine, which is neutral and non-polar, at codon 353 of the RB1 protein (p.Thr353Ile). This variant is not present in population databases (gnomAD no frequency). This variant has not been reported in the literature in individuals affected with RB1-related conditions. Advanced modeling of protein sequence and biophysical properties (such as structural, functional, and spatial information, amino acid conservation, physicochemical variation, residue mobility, and thermodynamic stability) performed at Invitae indicates that this missense variant is not expected to disrupt RB1 protein function with a negative predictive value of 80%. In summary, the available evidence is currently insufficient to determine the role of this variant in disease. Therefore, it has been classified as a Variant of Uncertain Significance.

NM_000321.3(RB1):c.1058C>T (p.Thr353Ile)

Gene: RB1 (RB transcriptional corepressor 1; plus strand). Cytogenetic location: 13q14.2.
Variant type: single nucleotide variant.
Coding change: c.1058C>T on transcript NM_000321.3 (MANE Select); coding-DNA position 1058, C replaced by T.
Protein change: p.Thr353Ile; replaces threonine 353 with isoleucine.
Molecular consequence: missense variant.
Genome position (GRCh38, 1-based): chr13:48,368,535, C>T. VCF-style: chr13-48368535-C-T. GRCh37 (hg19) VCF-style: chr13-48942671-C-T.
Other names: c.1058C>T, p.Thr353Ile (NM_001407165.1, NM_001407166.1); short protein forms T353I.
Identifiers: ClinVar variation 3712744 (VCV003712744.2).